The following is an entry in ClinVar:

NM_001033855.3(DCLRE1C):c.82G>C (p.Ala28Pro)

Gene: DCLRE1C (DNA cross-link repair 1C; minus strand). Cytogenetic location: 10p13.
Variant type: single nucleotide variant.
Coding change: c.82G>C on transcript NM_001033855.3 (MANE Select); coding-DNA position 82, G replaced by C.
Protein change: p.Ala28Pro; replaces alanine 28 with proline.
Molecular consequence: missense variant. On other transcripts: 5 prime UTR variant (9), non-coding transcript variant (4).
Genome position (GRCh38, 1-based): chr10:14,953,929, C>G on the plus strand (G>C on the coding strand, the complement: DCLRE1C is on the minus strand). VCF-style: chr10-14953929-C-G. GRCh37 (hg19) VCF-style: chr10-14995928-C-G.
Other names: NM_001033855.3(DCLRE1C):c.82G>C; p.Ala28Pro; c.-364G>C (NM_001033857.3, NM_001350967.2); c.-686G>C (NM_001033858.3); c.-123G>C (NM_001289076.2); c.-410G>C (NM_001289077.2); c.-156G>C (NM_001289078.2, NM_001350966.2); c.-732G>C (NM_001289079.2); and 2 more; short protein forms A28P.
Identifiers: ClinVar variation 2136853 (VCV002136853.5), dbSNP rs773046452, ClinGen allele CA376065726.

ClinVar aggregate classification (germline): Likely pathogenic. Review status: reviewed by expert panel (3 of 4 stars). 2 submissions from 2 submitters: Likely pathogenic (1). 1 of the submissions does not count toward it. Last evaluated 2024-01-23.

Conditions:
Severe combined immunodeficiency due to DCLRE1C deficiency (RS-SCID). Also called: SCID, AUTOSOMAL RECESSIVE, T CELL-NEGATIVE, B CELL-NEGATIVE, NK CELL-POSITIVE, WITH SENSITIVITY TO IONIZING RADIATION. Identifiers: Orphanet 275, MedGen C1865371, MONDO:0011225, OMIM 602450.

Submissions (2):

ClinGen Severe Combined Immunodeficiency Variant Curation Expert Panel, ClinGen
Classification: Likely pathogenic for Severe combined immunodeficiency due to DCLRE1C deficiency. Last evaluated: 2024-01-23. Review status: reviewed by expert panel. Criteria: ClinGen SCID ACMG Specifications DCLRE1C V1.0.0. Collection method: curation. Allele origin: germline. Inheritance: Autosomal recessive inheritance.
Comment: The c.82G>C(NM_001033855.3) variant in DCLRE1C is a missense variant predicted to cause substitution of Alanine by Proline at amino acid 28 (p.Ala28Pro). This variant is absent from gnomAD v4 (PM2_Supporting). At least one patient with this variant displayed Decreased V(D)J recombination 0.5pts + Diagnostic criteria for SCID/Leaky SCID/Omenn syndrome met 0.5 pts. + T−B−NK+ 0.5pts + Increased cellular radiosensitivity 0.5pts. The total is 2 points, which is highly specific for SCID (PP4_Moderate, PMIDs 19953608 and 25917813). The patient is homozygous, 0.5pts. PM3_Supporting. Activity levels in % of WT activity = Recombination: Mean (SD): 3.00 (0.15) and DNA repair (36h after IR): Mean (SD): 5.13 (11.95). Both values are lower than our established threshold for abnormal results (defined as <25% of wild-type activity). Thus, PS3 is Met at a moderate level(PMID: 25917813). In summary, this variant is classified as a Likely Pathogenic for autosomal recessive SCID based on ACMG/AMP criteria applied, as specified by the ClinGen SCID VCEP (specification version 1.0): PM2_Supporting, PP4_Moderate, PM3_Supporting, and PS3_Moderate.

Labcorp Genetics (formerly Invitae), Labcorp
Classification: Uncertain significance for Athabaskan severe combined immunodeficiency. Last evaluated: 2022-07-15. Review status: criteria provided, single submitter. Criteria: Invitae Variant Classification Sherloc (09022015). Collection method: clinical testing. Allele origin: germline. Not counted in ClinVar's aggregate classification.
Comment: In summary, the available evidence is currently insufficient to determine the role of this variant in disease. Therefore, it has been classified as a Variant of Uncertain Significance. Experimental studies have shown that this missense change affects DCLRE1C function (PMID: 25917813). Algorithms developed to predict the effect of missense changes on protein structure and function are either unavailable or do not agree on the potential impact of this missense change (SIFT: "Tolerated"; PolyPhen-2: "Probably Damaging"; Align-GVGD: "Class C0"). This missense change has been observed in individual(s) with severe combined immunodeficiency (PMID: 19953608). This variant is present in population databases (no rsID available, gnomAD 0.003%). This sequence change replaces alanine, which is neutral and non-polar, with proline, which is neutral and non-polar, at codon 28 of the DCLRE1C protein (p.Ala28Pro).

Literature cited by the submitters: PubMed 25917813 (cited by Labcorp Genetics (formerly Invitae), Labcorp); PubMed 19953608 (cited by Labcorp Genetics (formerly Invitae), Labcorp).